The following is an entry in ClinVar:

NM_004958.4(MTOR):c.4453G>A (p.Glu1485Lys)

Gene: MTOR (mechanistic target of rapamycin kinase; minus strand). Cytogenetic location: 1p36.22.
Variant type: single nucleotide variant.
Coding change: c.4453G>A on transcript NM_004958.4 (MANE Select); coding-DNA position 4453, G replaced by A.
Protein change: p.Glu1485Lys; replaces glutamic acid 1485 with lysine.
Molecular consequence: missense variant.
Genome position (GRCh38, 1-based): chr1:11,157,168, C>T on the plus strand (G>A on the coding strand, the complement: MTOR is on the minus strand). VCF-style: chr1-11157168-C-T. GRCh37 (hg19) VCF-style: chr1-11217225-C-T.
Other names: c.4453G>A, p.Glu1485Lys (NM_001386500.1); c.3205G>A, p.Glu1069Lys (NM_001386501.1); short protein forms E1069K, E1485K.
Identifiers: ClinVar variation 3029593 (VCV003029593.2), dbSNP rs752812957, ClinGen allele CA338371537.
Genomic context (GRCh38, chr1:11,157,168, plus strand): 5'-GAAGTCTCTTGCAGCCACACATGCCATCATTCTAGGAAGCTCACCATTCCCCCAAGGCCT[C>T]GAGGCAGCGCATGCGGCCCAGCATCAGCTCTGGGTCGTCCTTGTTGGTGTCCATTTTCTT-3'
Protein context (NP_004949.1, residues 1475-1495): ELMLGRMRCL[Glu1485Lys]ALGEWGQLHQ

ClinVar aggregate classification (germline): Uncertain significance (0 of 4 stars; one submission).

Conditions:
MTOR-related disorder. Also called: MTOR-related condition.

Submission:

PreventionGenetics, part of Exact Sciences
Classification: Uncertain significance for MTOR-related condition. Last evaluated: 2024-02-09. Review status: no assertion criteria provided. Collection method: clinical testing. Allele origin: germline.
Comment: The MTOR c.4453G>A variant is predicted to result in the amino acid substitution p.Glu1485Lys. To our knowledge, this variant has not been reported in the literature or in a large population database, indicating this variant is rare. At this time, the clinical significance of this variant is uncertain due to the absence of conclusive functional and genetic evidence.